The following is an entry in ClinVar:

NC_000002.11:g.(?_29917706)_(29940573_?)del

Gene: ALK (ALK receptor tyrosine kinase; minus strand). Cytogenetic location: 2p23.2.
Variant type: Deletion.
Identifiers: ClinVar variation 3247354 (VCV003247354.1).

ClinVar aggregate classification (germline): Uncertain significance (1 of 4 stars; one submission).

Conditions:
Neuroblastoma, susceptibility to, 3. Also called: ALK-Related Neuroblastic Tumor Susceptibility. Identifiers: Orphanet 635, MedGen C2751681, MONDO:0013083, OMIM 613014.

Submission:

Labcorp Genetics (formerly Invitae), Labcorp
Classification: Uncertain significance for Neuroblastoma, susceptibility to, 3. Last evaluated: 2023-10-27. Review status: criteria provided, single submitter. Criteria: Invitae Variant Classification Sherloc (09022015). Collection method: clinical testing. Allele origin: unknown.
Comment: This variant is a gross deletion of the genomic region encompassing exon(s) 2-3 of the ALK gene. This variant would be expected to be in-frame, preserving the integrity of the reading frame. This variant has not been reported in the literature in individuals affected with ALK-related conditions. In summary, the available evidence is currently insufficient to determine the role of this variant in disease. Therefore, it has been classified as a Variant of Uncertain Significance.